The following is an entry in ClinVar:

NM_032242.4(PLXNA1):c.5101A>G (p.Ile1701Val)

Gene: PLXNA1 (plexin A1; plus strand). Cytogenetic location: 3q21.3.
Variant type: single nucleotide variant.
Coding change: c.5101A>G on transcript NM_032242.4 (MANE Select); coding-DNA position 5101, A replaced by G.
Protein change: p.Ile1701Val; replaces isoleucine 1701 with valine.
Molecular consequence: missense variant.
Genome position (GRCh38, 1-based): chr3:127,030,282, A>G. VCF-style: chr3-127030282-A-G. GRCh37 (hg19) VCF-style: chr3-126749125-A-G.
Other names: short protein forms I1701V.
Identifiers: ClinVar variation 5000101 (VCV005000101.1).
Genomic context (GRCh38, chr3:127,030,282, plus strand): 5'-GTCCCTGCCTGCCCCCCGCAGGGCACACTGCAGAAGTTTGTGGACGACCTGTTTGAGACC[A>G]TCTTCAGCACGGCACACCGGGGCTCAGCCCTGCCGCTGGCCATCAAGTACATGTTCGACT-3'
Protein context (NP_115618.3, residues 1691-1711): QKFVDDLFET[Ile1701Val]FSTAHRGSAL

ClinVar aggregate classification (germline): Uncertain significance (1 of 4 stars; one submission).

Conditions:
PLXNA1-related disorder. Also called: PLXNA1-related condition.

Submission:

PreventionGenetics, part of Exact Sciences
Classification: Uncertain significance for PLXNA1-related condition. Last evaluated: 2025-06-23. Review status: criteria provided, single submitter. Criteria: ACMG Guidelines, 2015. Collection method: clinical testing. Allele origin: germline.
Comment: The PLXNA1 c.5101A>G variant is predicted to result in the amino acid substitution p.Ile1701Val. This variant was reported as a variant of uncertain significance in an individual with hypogonadotropic hypogonadism; however, additional support for pathogenicity was not provided (Kotan et al. 2019. PubMed ID: 30467832). This variant is reported in 0.0065% of alleles in individuals of European (non-Finnish) descent in gnomAD. At this time, the clinical significance of this variant is uncertain due to the absence of conclusive functional and genetic evidence.